The following is an entry in ClinVar:

ClinVar aggregate classification (germline): Uncertain significance (1 of 4 stars; one submission).

gnomAD v4.1: 21 of 1,556,094 alleles (0.0013%); highest among the groups gnomAD compares: African/African-American, 0.0068%; no homozygotes.

Submission:

Labcorp Genetics (formerly Invitae), Labcorp
Classification: Uncertain significance. Last evaluated: 2024-11-13. Review status: criteria provided, single submitter. Criteria: Invitae Variant Classification Sherloc (09022015). Collection method: clinical testing. Allele origin: germline.
Comment: This sequence change replaces leucine, which is neutral and non-polar, with valine, which is neutral and non-polar, at codon 3 of the DMXL2 protein (p.Leu3Val). The frequency data for this variant in the population databases is considered unreliable, as metrics indicate poor data quality at this position in the gnomAD database. This variant has not been reported in the literature in individuals affected with DMXL2-related conditions. An algorithm developed to predict the effect of missense changes on protein structure and function (PolyPhen-2) suggests that this variant is likely to be disruptive. In summary, the available evidence is currently insufficient to determine the role of this variant in disease. Therefore, it has been classified as a Variant of Uncertain Significance.

NM_001378457.1(DMXL2):c.7C>G (p.Leu3Val)

Gene: DMXL2 (Dmx like 2; minus strand). Cytogenetic location: 15q21.2.
Variant type: single nucleotide variant.
Coding change: c.7C>G on transcript NM_001378457.1 (MANE Select); coding-DNA position 7, C replaced by G.
Protein change: p.Leu3Val; replaces leucine 3 with valine.
Molecular consequence: missense variant. On other transcripts: non-coding transcript variant (2).
Genome position (GRCh38, 1-based): chr15:51,622,539, G>C on the plus strand (C>G on the coding strand, the complement: DMXL2 is on the minus strand). VCF-style: chr15-51622539-G-C. GRCh37 (hg19) VCF-style: chr15-51914736-G-C.
Other names: c.7C>G, p.Leu3Val (NM_001174116.3, NM_001174117.3, NM_001378458.1 and 7 more transcripts); short protein forms L3V.
Identifiers: ClinVar variation 3624041 (VCV003624041.2).
Genomic context (GRCh38, chr15:51,622,539, plus strand): 5'-CGCTGCCCACGGAGTAGCAGTTGTCTCCAGGGTTGACAGCTCCGGTGAGGACCTGATGCA[G>C]ATGCATCTCCGGAGCCCGGGCTGGACAGAATGCGCGGGAGGTGCGACAAGCTCCGCGCCT-3'
Protein context (NP_001365386.1, residues 1-13): MH[Leu3Val]HQVLTGAVNP